The following is an entry in ClinVar:

NM_001130009.3(GEN1):c.217G>A (p.Val73Ile)

Gene: GEN1 (GEN1 structure-specific endonuclease; plus strand). Cytogenetic location: 2p24.2.
Variant type: single nucleotide variant.
Coding change: c.217G>A on transcript NM_001130009.3 (MANE Select); coding-DNA position 217, G replaced by A.
Protein change: p.Val73Ile; replaces valine 73 with isoleucine.
Molecular consequence: missense variant.
Genome position (GRCh38, 1-based): chr2:17,761,451, G>A. VCF-style: chr2-17761451-G-A. GRCh37 (hg19) VCF-style: chr2-17942718-G-A.
Other names: c.217G>A, p.Val73Ile (NM_182625.5); short protein forms V73I.
Identifiers: ClinVar variation 4671464 (VCV004671464.1).

ClinVar aggregate classification (germline): Uncertain significance (1 of 4 stars; one submission).

Submission:

Ambry Genetics
Classification: Uncertain significance. Last evaluated: 2025-10-09. Review status: criteria provided, single submitter. Criteria: Ambry Variant Classification Scheme 2023. Collection method: clinical testing. Allele origin: germline.
Comment: The p.V73I variant (also known as c.217G>A), located in coding exon 2 of the GEN1 gene, results from a G to A substitution at nucleotide position 217. The valine at codon 73 is replaced by isoleucine, an amino acid with highly similar properties. This amino acid position is conserved. In addition, the in silico prediction for this alteration is inconclusive. Based on the available evidence, the clinical significance of this variant remains unclear.